The following is an entry in ClinVar:

NM_014516.4(CNOT3):c.937C>T (p.His313Tyr)

Gene: CNOT3 (CCR4-NOT transcription complex subunit 3; plus strand). Cytogenetic location: 19q13.42.
Variant type: single nucleotide variant.
Coding change: c.937C>T on transcript NM_014516.4 (MANE Select); coding-DNA position 937, C replaced by T.
Protein change: p.His313Tyr; replaces histidine 313 with tyrosine.
Molecular consequence: missense variant.
Genome position (GRCh38, 1-based): chr19:54,148,190, C>T. VCF-style: chr19-54148190-C-T. GRCh37 (hg19) VCF-style: chr19-54651925-C-T.
Other names: c.937C>T (NM_014516.3); short protein forms H313Y.
Identifiers: ClinVar variation 1384546 (VCV001384546.7), dbSNP rs587744329, ClinGen allele CA309339545.

ClinVar aggregate classification (germline): Conflicting classifications of pathogenicity. Review status: criteria provided, conflicting classifications (1 of 4 stars). 2 submissions from 2 submitters: Uncertain significance (1); Likely benign (1). Last evaluated 2023-10-05.

Conditions:
Inborn genetic diseases. Identifiers: MedGen C0950123, MeSH D030342.

Allele frequency attached by ClinVar (database versions not stated): gnomAD 0.00001 and 0.00005; TOPMed 0.00002; gnomAD exomes 0.00006; ExAC 0.00010; 1000 Genomes Project 30x 0.00016; 1000 Genomes Project 0.00020.
gnomAD v4.1: 60 of 1,568,582 alleles (0.0038%); highest among the groups gnomAD compares: South Asian, 0.049%; no homozygotes.

Submissions (2):

Ambry Genetics
Classification: Likely benign for Inborn genetic diseases. Last evaluated: 2023-10-05. Review status: criteria provided, single submitter. Criteria: Ambry Variant Classification Scheme 2023. Collection method: clinical testing. Allele origin: germline.

Labcorp Genetics (formerly Invitae), Labcorp
Classification: Uncertain significance. Last evaluated: 2022-06-05. Review status: criteria provided, single submitter. Criteria: Invitae Variant Classification Sherloc (09022015). Collection method: clinical testing. Allele origin: germline.
Comment: Algorithms developed to predict the effect of missense changes on protein structure and function (SIFT, PolyPhen-2, Align-GVGD) all suggest that this variant is likely to be tolerated. In summary, the available evidence is currently insufficient to determine the role of this variant in disease. Therefore, it has been classified as a Variant of Uncertain Significance. ClinVar contains an entry for this variant (Variation ID: 1384546). This sequence change replaces histidine, which is basic and polar, with tyrosine, which is neutral and polar, at codon 313 of the CNOT3 protein (p.His313Tyr). The frequency data for this variant in the population databases is considered unreliable, as metrics indicate poor data quality at this position in the gnomAD database. This variant has not been reported in the literature in individuals affected with CNOT3-related conditions.